The following is an entry in ClinVar:

NM_031892.3(SH3KBP1):c.226G>A (p.Glu76Lys)

Gene: SH3KBP1 (SH3 domain containing kinase binding protein 1; minus strand). Cytogenetic location: Xp22.12.
Variant type: single nucleotide variant.
Coding change: c.226G>A on transcript NM_031892.3 (MANE Select); coding-DNA position 226, G replaced by A.
Protein change: p.Glu76Lys; replaces glutamic acid 76 with lysine.
Molecular consequence: missense variant.
Genome position (GRCh38, 1-based): chrX:19,746,378, C>T on the plus strand (G>A on the coding strand, the complement: SH3KBP1 is on the minus strand). VCF-style: chrX-19746378-C-T. GRCh37 (hg19) VCF-style: chrX-19764496-C-T.
Other names: c.226G>A (NM_001353891.1, NM_031892.2); c.115G>A, p.Glu39Lys (NM_001024666.3); c.226G>A, p.Glu76Lys (NM_001353890.2, NM_001353891.2, NM_001353892.2 and 2 more transcripts); c.49G>A, p.Glu17Lys (NM_001353893.2, NM_001353894.2, NM_001353895.2 and 1 more transcripts); short protein forms E76K, E39K, E17K.
Identifiers: ClinVar variation 2194380 (VCV002194380.7), dbSNP rs150089181, ClinGen allele CA10364938.
Genomic context (GRCh38, chrX:19,746,378, plus strand): 5'-CTCTCTTATTGGTTCTTAAAATCGTTTCAGAAGACAGCAAAGAGTTTCCACTGGGCACTT[C>T]GTGCAGGGGCTTTTCTGGAGCTTTGTTGGTGAGAGGGTCTTTCTTCATCTCTTTCTTTAT-3'
Protein context (NP_114098.1, residues 66-86): TNKAPEKPLH[Glu76Lys]VPSGNSLLSS

ClinVar aggregate classification (germline): Uncertain significance. Review status: criteria provided, multiple submitters, no conflicts (2 of 4 stars). 3 submissions from 3 submitters: Uncertain significance (2). 1 of the submissions does not count toward it. Last evaluated 2025-09-25.

Conditions:
SH3KBP1-related disorder. Also called: SH3KBP1-related condition.

Allele frequency attached by ClinVar (database versions not stated): ESP Exome Variant Server 0.00009; TOPMed 0.00011; gnomAD 0.00013.

Submissions (3):

Ambry Genetics
Classification: Uncertain significance. Last evaluated: 2025-09-25. Review status: criteria provided, single submitter. Criteria: Ambry Variant Classification Scheme 2023. Collection method: clinical testing. Allele origin: germline.

Labcorp Genetics (formerly Invitae), Labcorp
Classification: Uncertain significance. Last evaluated: 2025-01-24. Review status: criteria provided, single submitter. Criteria: Invitae Variant Classification Sherloc (09022015). Collection method: clinical testing. Allele origin: germline.
Comment: This sequence change replaces glutamic acid, which is acidic and polar, with lysine, which is basic and polar, at codon 76 of the SH3KBP1 protein (p.Glu76Lys). This variant is present in population databases (rs150089181, gnomAD 0.08%), and has an allele count higher than expected for a pathogenic variant. This variant has not been reported in the literature in individuals affected with SH3KBP1-related conditions. ClinVar contains an entry for this variant (Variation ID: 2194380). Invitae Evidence Modeling of protein sequence and biophysical properties (such as structural, functional, and spatial information, amino acid conservation, physicochemical variation, residue mobility, and thermodynamic stability) indicates that this missense variant is not expected to disrupt SH3KBP1 protein function with a negative predictive value of 80%. In summary, the available evidence is currently insufficient to determine the role of this variant in disease. Therefore, it has been classified as a Variant of Uncertain Significance.

PreventionGenetics, part of Exact Sciences
Classification: Likely benign for SH3KBP1-related condition. Last evaluated: 2022-02-23. Review status: no assertion criteria provided. Collection method: clinical testing. Allele origin: germline. Not counted in ClinVar's aggregate classification.
Comment: This variant is classified as likely benign based on ACMG/AMP sequence variant interpretation guidelines (Richards et al. 2015 PMID: 25741868, with internal and published modifications).